The following is an entry in ClinVar:

ClinVar aggregate classification (germline): Conflicting classifications of pathogenicity. Review status: criteria provided, conflicting classifications (1 of 4 stars). 3 submissions from 3 submitters: Uncertain significance (1); Likely benign (2). Last evaluated 2025-12-17.

Conditions:
Long QT syndrome (LQTS). Identifiers: MedGen C0023976, MeSH D008133, MONDO:0002442. Disease mechanism: loss of function. Inheritance: Various modes of inheritance.
Cardiovascular phenotype. Identifiers: MedGen CN230736.
Long QT syndrome 11 (LQT11). Identifiers: Orphanet 101016, Orphanet 768, MedGen C2678483, MONDO:0012738, OMIM 611820.

Allele frequency attached by ClinVar (database versions not stated): gnomAD exomes 0.00005 and 0.00018; ExAC 0.00019; ESP Exome Variant Server 0.00054; gnomAD 0.00070 and 0.00074; 1000 Genomes Project 0.00080; TOPMed 0.00080; 1000 Genomes Project 30x 0.00094.
gnomAD v4.1: 181 of 1,614,108 alleles (0.011%); highest among the groups gnomAD compares: African/African-American, 0.23%; no homozygotes.

Submissions (4):

Labcorp Genetics (formerly Invitae), Labcorp
Classification: Likely benign for Long QT syndrome. Last evaluated: 2025-12-17. Review status: criteria provided, single submitter. Criteria: Invitae Variant Classification Sherloc (09022015). Collection method: clinical testing. Allele origin: germline.

Ambry Genetics
Classification: Likely benign for Cardiovascular phenotype. Last evaluated: 2019-10-03. Review status: criteria provided, single submitter. Criteria: Ambry Variant Classification Scheme 2023. Collection method: clinical testing. Allele origin: germline.

ARUP Laboratories, Molecular Genetics and Genomics, ARUP Laboratories
Classification: Uncertain significance for Long QT syndrome 11. Last evaluated: 2018-09-26. Review status: criteria provided, single submitter. Criteria: ARUP Molecular Germline Variant Investigation Process. Collection method: clinical testing. Allele origin: germline.
Comment: The AKAP9 c.7166A>G; p.Asp2389Gly variant (rs140782750), to our knowledge, is not reported in the medical literature but is reported in ClinVar (Variation ID: 417034). This variant is found in the African population with an allele frequency of 0.23% (55/23,974 alleles) in the Genome Aggregation Database. The aspartic acid at codon 2389 is highly conserved, and computational analyses (SIFT, PolyPhen-2) predict that this variant is tolerated. Due to limited information, the clinical significance of the p.Asp2389Gly variant is uncertain at this time.

Dr. Peter K. Rogan Lab, Western University
No classification provided (evidence only). Condition: Thyroid cancer, nonmedullary, 1. Review status: no classification provided. Collection method: in vitro. Allele origin: not applicable. Functional consequence: skipped exon. Not counted in ClinVar's aggregate classification.

NM_005751.5(AKAP9):c.7166A>G (p.Asp2389Gly)

Gene: AKAP9 (A-kinase anchoring protein 9; plus strand). Cytogenetic location: 7q21.2.
Variant type: single nucleotide variant.
Coding change: c.7166A>G on transcript NM_005751.5 (MANE Select); coding-DNA position 7166, A replaced by G.
Protein change: p.Asp2389Gly; replaces aspartic acid 2389 with glycine.
Molecular consequence: missense variant.
Genome position (GRCh38, 1-based): chr7:92,079,299, A>G. VCF-style: chr7-92079299-A-G. GRCh37 (hg19) VCF-style: chr7-91708613-A-G.
Other names: c.1811A>G, p.Asp604Gly (NM_001379277.1); c.7142A>G, p.Asp2381Gly (NM_147185.3); short protein forms D2389G, D2381G, D604G.
Identifiers: ClinVar variation 417034 (VCV000417034.23), dbSNP rs140782750, ClinGen allele CA4337246.
Genomic context (GRCh38, chr7:92,079,299, plus strand): 5'-AGACATCAATGAATGCTCATTCCCTCTCAGAAGAAGCAGACAGTTTAAAACATCAATTGG[A>G]TGTGGTTATAGCTGAAAAGCTGGCCTTGGAACAGCAAGTAGAAACCGCTAATGAAGAAAT-3'
Protein context (NP_005742.4, residues 2379-2399): EEADSLKHQL[Asp2389Gly]VVIAEKLALE